The following is an entry in ClinVar:

NM_000432.4(MYL2):c.23A>G (p.Lys8Arg)

Genes: MYL2 (myosin light chain 2; minus strand), LOC114827850 (VISTA enhancer hs2149; plus strand). Cytogenetic location: 12q24.11.
Variant type: single nucleotide variant.
Coding change: c.23A>G on transcript NM_000432.4 (MANE Select); coding-DNA position 23, A replaced by G.
Protein change: p.Lys8Arg; replaces lysine 8 with arginine.
Molecular consequence: missense variant.
Genome position (GRCh38, 1-based): chr12:110,919,174, T>C on the plus strand (A>G on the coding strand, the complement: MYL2 is on the minus strand). VCF-style: chr12-110919174-T-C. GRCh37 (hg19) VCF-style: chr12-111356978-T-C.
Other names: short protein forms K8R.
Identifiers: ClinVar variation 264577 (VCV000264577.6), dbSNP rs886039195, ClinGen allele CA10587735.

ClinVar aggregate classification (germline): Uncertain significance. Review status: criteria provided, multiple submitters, no conflicts (2 of 4 stars). 2 submissions from 2 submitters: Uncertain significance (2). Last evaluated 2023-12-07.

Conditions:
Cardiovascular phenotype. Identifiers: MedGen CN230736.
Hypertrophic cardiomyopathy. Also called: HYPERTROPHIC MYOCARDIOPATHY. Identifiers: Orphanet 217569, MedGen C0007194, MeSH D002312, MONDO:0005045, HP:0001639.

Allele frequency attached by ClinVar (database versions not stated): gnomAD exomes below 0.00001; TOPMed below 0.00001; gnomAD 0.00001.
gnomAD v4.1: 2 of 1,613,510 alleles (0.00012%); highest among the groups gnomAD compares: Non-Finnish European, 0.00017%; no homozygotes.

Submissions (2):

All of Us Research Program, National Institutes of Health
Classification: Uncertain significance for Hypertrophic cardiomyopathy. Last evaluated: 2023-12-07. Review status: criteria provided, single submitter. Criteria: ACMG Guidelines, 2015. Collection method: clinical testing. Allele origin: germline. Inheritance: Autosomal dominant inheritance. Observed: 2 variant alleles, 2 heterozygotes.
Comment: This missense variant replaces lysine with arginine at codon 8 of the MYL2 protein. Computational prediction suggests that this variant may not impact protein structure and function (internally defined REVEL score threshold <= 0.5, PMID: 27666373). To our knowledge, functional studies have not been reported for this variant. This variant has not been reported in individuals affected with MYL2-related disorders in the literature. This variant has not been identified in the general population by the Genome Aggregation Database (gnomAD). The available evidence is insufficient to determine the role of this variant in disease conclusively. Therefore, this variant is classified as a Variant of Uncertain Significance.

This study involves interpretation of variants in research participants for the purpose of population health screening. Participant phenotype was not available at the time of variant classification. Additional details can be found in publication PMID: 35346344, PMCID: PMC8962531

Ambry Genetics
Classification: Uncertain significance for Cardiovascular phenotype. Last evaluated: 2015-12-11. Review status: criteria provided, single submitter. Criteria: Ambry Variant Classification Scheme 2023. Collection method: clinical testing. Allele origin: germline.
Comment: The p.K8R variant (also known as c.23A>G), located in coding exon 2 of the MYL2 gene, results from an A to G substitution at nucleotide position 23. The lysine at codon 8 is replaced by arginine, an amino acid with highly similar properties. This variant was not reported in population based cohorts in the following databases: Database of Single Nucleotide Polymorphisms (dbSNP), NHLBI Exome Sequencing Project (ESP), and 1000 Genomes Project. In the ESP, this variant was not observed in 6503 samples (13006 alleles) with coverage at this position. This amino acid position is highly conserved in available vertebrate species; however, arginine is the reference nucleotide in one species. In addition, this alteration is predicted to be tolerated by in silico analysis. Since supporting evidence is limited at this time, the clinical significance of this variant remains unclear.